The following is an entry in ClinVar:

ClinVar aggregate classification (germline): Likely benign. Review status: criteria provided, multiple submitters, no conflicts (2 of 4 stars). 2 submissions from 2 submitters: Likely benign (2). Last evaluated 2025-11-19.

Conditions:
Deficiency of malonyl-CoA decarboxylase. Also called: Malonic aciduria; MCD deficiency. Identifiers: Orphanet 943, MedGen C0342793, MONDO:0009556, OMIM 248360.

Allele frequency attached by ClinVar (database versions not stated): ExAC 0.00002; gnomAD 0.00003; TOPMed 0.00003; gnomAD exomes 0.00005 and 0.00006; ESP Exome Variant Server 0.00008.
gnomAD v4.1: 94 of 1,614,096 alleles (0.0058%); highest among the groups gnomAD compares: Non-Finnish European, 0.0078%; no homozygotes.

Submissions (2):

Labcorp Genetics (formerly Invitae), Labcorp
Classification: Likely benign for Deficiency of malonyl-CoA decarboxylase. Last evaluated: 2025-11-19. Review status: criteria provided, single submitter. Criteria: Invitae Variant Classification Sherloc (09022015). Collection method: clinical testing. Allele origin: germline.

GeneDx
Classification: Likely benign. Last evaluated: 2016-06-29. Review status: criteria provided, single submitter. Criteria: GeneDx Variant Classification (06012015). Collection method: clinical testing. Allele origin: germline. Affected: yes.
Comment: This variant is considered likely benign or benign based on one or more of the following criteria: it is a conservative change, it occurs at a poorly conserved position in the protein, it is predicted to be benign by multiple in silico algorithms, and/or has population frequency not consistent with disease.

NM_012213.3(MLYCD):c.894C>G (p.Leu298=)

Genes: MLYCD (malonyl-CoA decarboxylase; plus strand), LOC126862422 (CDK7 strongly-dependent group 2 enhancer GRCh37_chr16:83945234-83946433; plus strand). Cytogenetic location: 16q23.3.
Variant type: single nucleotide variant.
Coding change: c.894C>G on transcript NM_012213.3 (MANE Select); coding-DNA position 894, C replaced by G.
Protein change: p.Leu298=; no amino-acid change (leucine 298 retained).
Molecular consequence: synonymous variant.
Genome position (GRCh38, 1-based): chr16:83,912,313, C>G. VCF-style: chr16-83912313-C-G. GRCh37 (hg19) VCF-style: chr16-83945918-C-G.
Identifiers: ClinVar variation 387075 (VCV000387075.9), dbSNP rs368719157, ClinGen allele CA8197420.